The following is an entry in ClinVar:

ClinVar aggregate classification (germline): Uncertain significance (1 of 4 stars; one submission).

gnomAD v4.1: 1 of 1,614,048 alleles (0.000062%); highest among the groups gnomAD compares: Non-Finnish European, 0.000085%; no homozygotes.

Submission:

Ambry Genetics
Classification: Uncertain significance. Last evaluated: 2022-02-05. Review status: criteria provided, single submitter. Criteria: Ambry Variant Classification Scheme 2023. Collection method: clinical testing. Allele origin: germline.
Comment: The p.I367L variant (also known as c.1099A>C), located in coding exon 7 of the IDH1 gene, results from an A to C substitution at nucleotide position 1099. The isoleucine at codon 367 is replaced by leucine, an amino acid with highly similar properties. This amino acid position is conserved. In addition, the in silico prediction for this alteration is inconclusive. Since supporting evidence is limited at this time, the clinical significance of this alteration remains unclear.

NM_005896.4(IDH1):c.1099A>C (p.Ile367Leu)

Gene: IDH1 (isocitrate dehydrogenase (NADP(+)) 1; minus strand). Cytogenetic location: 2q34.
Variant type: single nucleotide variant.
Coding change: c.1099A>C on transcript NM_005896.4 (MANE Select); coding-DNA position 1099, A replaced by C.
Protein change: p.Ile367Leu; replaces isoleucine 367 with leucine.
Molecular consequence: missense variant.
Genome position (GRCh38, 1-based): chr2:208,239,126, T>G on the plus strand (A>C on the coding strand, the complement: IDH1 is on the minus strand). VCF-style: chr2-208239126-T-G. GRCh37 (hg19) VCF-style: chr2-209103850-T-G.
Other names: c.1099A>C, p.Ile367Leu (NM_001282387.1, NM_001282386.1); short protein forms I367L.
Identifiers: ClinVar variation 1791426 (VCV001791426.2), dbSNP rs777431979, ClinGen allele CA350094239.